The following is an entry in ClinVar:

NM_000540.3(RYR1):c.11147T>A (p.Leu3716Gln)

Gene: RYR1 (ryanodine receptor 1; plus strand). Cytogenetic location: 19q13.2.
Variant type: single nucleotide variant.
Coding change: c.11147T>A on transcript NM_000540.3 (MANE Select); coding-DNA position 11147, T replaced by A.
Protein change: p.Leu3716Gln; replaces leucine 3716 with glutamine.
Molecular consequence: missense variant.
Genome position (GRCh38, 1-based): chr19:38,532,495, T>A. VCF-style: chr19-38532495-T-A. GRCh37 (hg19) VCF-style: chr19-39023135-T-A.
Other names: c.11132T>A, p.Leu3711Gln (NM_001042723.2); short protein forms L3711Q, L3716Q.
Identifiers: ClinVar variation 2836439 (VCV002836439.3), dbSNP rs1971782894, ClinGen allele CA405652231.
Genomic context (GRCh38, chr19:38,532,495, plus strand): 5'-TAAGATGGGGGTCCTCTCCACCGGGTCCTGACCACTCCCCTGCTTACTTCCCCAGCAAAC[T>A]GGATGAGGATTACCTGTACATGGCCTATGCTGATATCATGGCAAAGGTGAGGCCCTACCC-3'
Protein context (NP_000531.2, residues 3706-3726): SRTALTEKSK[Leu3716Gln]DEDYLYMAYA

ClinVar aggregate classification (germline): Uncertain significance (1 of 4 stars; one submission).

Conditions:
RYR1-related disorder. Also called: RYR1-related condition; RYR1-related disorders. Identifiers: MedGen CN239331.

Submission:

Labcorp Genetics (formerly Invitae), Labcorp
Classification: Uncertain significance for RYR1-related disorder. Last evaluated: 2023-02-27. Review status: criteria provided, single submitter. Criteria: Invitae Variant Classification Sherloc (09022015). Collection method: clinical testing. Allele origin: germline.
Comment: In summary, the available evidence is currently insufficient to determine the role of this variant in disease. Therefore, it has been classified as a Variant of Uncertain Significance. Algorithms developed to predict the effect of sequence changes on RNA splicing suggest that this variant may create or strengthen a splice site. Advanced modeling of protein sequence and biophysical properties (such as structural, functional, and spatial information, amino acid conservation, physicochemical variation, residue mobility, and thermodynamic stability) performed at Invitae indicates that this missense variant is expected to disrupt RYR1 protein function. This variant has not been reported in the literature in individuals affected with RYR1-related conditions. This variant is not present in population databases (gnomAD no frequency). This sequence change replaces leucine, which is neutral and non-polar, with glutamine, which is neutral and polar, at codon 3716 of the RYR1 protein (p.Leu3716Gln).